The following is an entry in ClinVar:

NM_002180.3(IGHMBP2):c.2012C>G (p.Thr671Arg)

Gene: IGHMBP2 (immunoglobulin mu DNA binding protein 2; plus strand). Cytogenetic location: 11q13.3.
Variant type: single nucleotide variant.
Coding change: c.2012C>G on transcript NM_002180.3 (MANE Select); coding-DNA position 2012, C replaced by G.
Protein change: p.Thr671Arg; replaces threonine 671 with arginine.
Molecular consequence: missense variant.
Genome position (GRCh38, 1-based): chr11:68,936,492, C>G. VCF-style: chr11-68936492-C-G. GRCh37 (hg19) VCF-style: chr11-68703960-C-G.
Other names: c.2012C>G (NM_002180.2); short protein forms T671R.
Identifiers: ClinVar variation 1508516 (VCV001508516.9), dbSNP rs377743886, ClinGen allele CA381652627.

ClinVar aggregate classification (germline): Uncertain significance. Review status: criteria provided, multiple submitters, no conflicts (2 of 4 stars). 2 submissions from 2 submitters: Uncertain significance (2). Last evaluated 2024-10-15.

Conditions:
Autosomal recessive distal spinal muscular atrophy 1. Also called: NEURONOPATHY, SEVERE INFANTILE AXONAL, WITH RESPIRATORY FAILURE; SEVERE INFANTILE AXONAL NEUROPATHY WITH RESPIRATORY FAILURE; SPINAL MUSCULAR ATROPHY, DIAPHRAGMATIC; NEURONOPATHY, DISTAL HEREDITARY MOTOR, HARDING TYPE VI; NEUROPATHY, DISTAL HEREDITARY MOTOR, AUTOSOMAL RECESSIVE 1; Spinal muscular atrophy with respiratory distress 1. Identifiers: Orphanet 98920, MedGen C1858517, MONDO:0011436, OMIM 604320.
Charcot-Marie-Tooth disease axonal type 2S. Also called: CHARCOT-MARIE-TOOTH DISEASE, AXONAL, AUTOSOMAL RECESSIVE, TYPE 2S; CHARCOT-MARIE-TOOTH NEUROPATHY, TYPE 2S. Identifiers: Orphanet 443073, MedGen C4015349, MONDO:0014511, OMIM 616155.

gnomAD v4.1: 2 of 1,613,782 alleles (0.00012%); highest among the groups gnomAD compares: Non-Finnish European, 0.00017%; no homozygotes.

Submissions (2):

Labcorp Genetics (formerly Invitae), Labcorp
Classification: Uncertain significance for Autosomal recessive distal spinal muscular atrophy 1; Charcot-Marie-Tooth disease axonal type 2S. Last evaluated: 2024-10-15. Review status: criteria provided, single submitter. Criteria: Invitae Variant Classification Sherloc (09022015). Collection method: clinical testing. Allele origin: germline.
Comment: This sequence change replaces threonine, which is neutral and polar, with arginine, which is basic and polar, at codon 671 of the IGHMBP2 protein (p.Thr671Arg). This variant is not present in population databases (gnomAD no frequency). This variant has not been reported in the literature in individuals affected with IGHMBP2-related conditions. ClinVar contains an entry for this variant (Variation ID: 1508516). Invitae Evidence Modeling of protein sequence and biophysical properties (such as structural, functional, and spatial information, amino acid conservation, physicochemical variation, residue mobility, and thermodynamic stability) indicates that this missense variant is not expected to disrupt IGHMBP2 protein function with a negative predictive value of 95%. In summary, the available evidence is currently insufficient to determine the role of this variant in disease. Therefore, it has been classified as a Variant of Uncertain Significance.

GeneDx
Classification: Uncertain significance. Last evaluated: 2024-10-01. Review status: criteria provided, single submitter. Criteria: GeneDx Variant Classification Process June 2021. Collection method: clinical testing. Allele origin: germline. Affected: yes.
Comment: Not observed at significant frequency in large population cohorts (gnomAD); In silico analysis indicates that this missense variant does not alter protein structure/function; Has not been previously published as pathogenic or benign to our knowledge